The following is an entry in ClinVar:

NM_000083.3(CLCN1):c.563G>A (p.Gly188Asp)

Gene: CLCN1 (chloride voltage-gated channel 1; plus strand). Cytogenetic location: 7q34.
Variant type: single nucleotide variant.
Coding change: c.563G>A on transcript NM_000083.3 (MANE Select); coding-DNA position 563, G replaced by A.
Protein change: p.Gly188Asp; replaces glycine 188 with aspartic acid.
Molecular consequence: missense variant. On other transcripts: non-coding transcript variant (1).
Genome position (GRCh38, 1-based): chr7:143,321,715, G>A. VCF-style: chr7-143321715-G-A. GRCh37 (hg19) VCF-style: chr7-143018808-G-A.
Other names: short protein forms G188D.
Identifiers: ClinVar variation 812143 (VCV000812143.10), dbSNP rs1554434857, ClinGen allele CA369684212.

ClinVar aggregate classification (germline): Uncertain significance. Review status: criteria provided, multiple submitters, no conflicts (2 of 4 stars). 2 submissions from 2 submitters: Uncertain significance (2). Last evaluated 2024-01-08.

Conditions:
Congenital myotonia, autosomal dominant form (THD). Also called: THOMSEN DISEASE; Myotonia congenita autosomal dominant. Identifiers: Orphanet 614, MedGen C2936781, MONDO:0008055, OMIM 160800.
Congenital myotonia, autosomal recessive form. Also called: Becker Generalized Myotonia; myotonia congenita, autosomal recessive; BECKER DISEASE. Identifiers: Orphanet 614, MedGen C0751360, MONDO:0009715, OMIM 255700.

Submissions (2):

Labcorp Genetics (formerly Invitae), Labcorp
Classification: Uncertain significance for Congenital myotonia, autosomal recessive form; Congenital myotonia, autosomal dominant form. Last evaluated: 2024-01-08. Review status: criteria provided, single submitter. Criteria: Invitae Variant Classification Sherloc (09022015). Collection method: clinical testing. Allele origin: germline.
Comment: This sequence change replaces glycine, which is neutral and non-polar, with aspartic acid, which is acidic and polar, at codon 188 of the CLCN1 protein (p.Gly188Asp). This variant is not present in population databases (gnomAD no frequency). This variant has not been reported in the literature in individuals affected with CLCN1-related conditions. ClinVar contains an entry for this variant (Variation ID: 812143). An algorithm developed to predict the effect of missense changes on protein structure and function (PolyPhen-2) suggests that this variant is likely to be disruptive. This variant disrupts the p.Gly188 amino acid residue in CLCN1. Other variant(s) that disrupt this residue have been observed in individuals with CLCN1-related conditions (PMID: 23739125, 24452722), which suggests that this may be a clinically significant amino acid residue. In summary, the available evidence is currently insufficient to determine the role of this variant in disease. Therefore, it has been classified as a Variant of Uncertain Significance.

MVZ Martinsried, Medicover Genetics
Classification: Uncertain significance for Congenital myotonia, autosomal dominant form. Last evaluated: 2019-07-10. Review status: criteria provided, single submitter. Criteria: ACMG Guidelines, 2015. Collection method: clinical testing. Allele origin: unknown. Affected: yes.

Literature cited by the submitters: PubMed 23739125 (cited by Labcorp Genetics (formerly Invitae), Labcorp); PubMed 24452722 (cited by Labcorp Genetics (formerly Invitae), Labcorp).